The following is an entry in ClinVar:

ClinVar aggregate classification (germline): Uncertain significance (1 of 4 stars; one submission).

Conditions:
Renal cell carcinoma. Identifiers: Orphanet 217071, MedGen C0007134, MeSH D002292, MONDO:0005086, HP:0005584.

Submission:

Labcorp Genetics (formerly Invitae), Labcorp
Classification: Uncertain significance for Renal cell carcinoma. Last evaluated: 2024-03-10. Review status: criteria provided, single submitter. Criteria: Invitae Variant Classification Sherloc (09022015). Collection method: clinical testing. Allele origin: germline.
Comment: This sequence change creates a premature translational stop signal (p.Glu1343*) in the MET gene. While this is not anticipated to result in nonsense mediated decay, it is expected to disrupt the last 66 amino acid(s) of the MET protein. This variant is not present in population databases (gnomAD no frequency). This variant has not been reported in the literature in individuals affected with MET-related conditions. Algorithms developed to predict the effect of sequence changes on RNA splicing suggest that this variant may disrupt the consensus splice site. In summary, the available evidence is currently insufficient to determine the role of this variant in disease. Therefore, it has been classified as a Variant of Uncertain Significance.

NM_000245.4(MET):c.3973G>T (p.Glu1325Ter)

Gene: MET (MET proto-oncogene, receptor tyrosine kinase; plus strand). Cytogenetic location: 7q31.2.
Variant type: single nucleotide variant.
Coding change: c.3973G>T on transcript NM_000245.4 (MANE Select); coding-DNA position 3973, G replaced by T.
Protein change: p.Glu1325Ter; replaces glutamic acid 1325 with a stop codon.
Molecular consequence: nonsense.
Genome position (GRCh38, 1-based): chr7:116,795,924, G>T. VCF-style: chr7-116795924-G-T. GRCh37 (hg19) VCF-style: chr7-116435978-G-T.
Other names: c.4027G>T, p.Glu1343Ter (NM_001127500.3); c.2683G>T, p.Glu895Ter (NM_001324402.2); short protein forms E895*, E1325*, E1343*.
Identifiers: ClinVar variation 3645261 (VCV003645261.2).